The following is an entry in ClinVar:

NM_005570.4(LMAN1):c.284C>T (p.Thr95Ile)

Gene: LMAN1 (lectin, mannose binding 1; minus strand). Cytogenetic location: 18q21.32.
Variant type: single nucleotide variant.
Coding change: c.284C>T on transcript NM_005570.4 (MANE Select); coding-DNA position 284, C replaced by T.
Protein change: p.Thr95Ile; replaces threonine 95 with isoleucine.
Molecular consequence: missense variant.
Genome position (GRCh38, 1-based): chr18:59,355,589, G>A on the plus strand (C>T on the coding strand, the complement: LMAN1 is on the minus strand). VCF-style: chr18-59355589-G-A. GRCh37 (hg19) VCF-style: chr18-57022821-G-A.
Other names: short protein forms T95I.
Identifiers: ClinVar variation 4536522 (VCV004536522.1).

ClinVar aggregate classification (germline): Uncertain significance (1 of 4 stars; one submission).

Submission:

GeneDx
Classification: Uncertain significance. Last evaluated: 2025-06-07. Review status: criteria provided, single submitter. Criteria: GeneDx Variant Classification Process June 2021. Collection method: clinical testing. Allele origin: germline. Affected: yes.
Comment: Not observed at significant frequency in large population cohorts (gnomAD); In silico analysis supports that this missense variant has a deleterious effect on protein structure/function; Has not been previously published as pathogenic or benign to our knowledge